The following is an entry in ClinVar:

NM_206933.4(USH2A):c.7525C>T (p.Arg2509Trp)

Gene: USH2A (usherin; minus strand). Cytogenetic location: 1q41.
Variant type: single nucleotide variant.
Coding change: c.7525C>T on transcript NM_206933.4 (MANE Select); coding-DNA position 7525, C replaced by T.
Protein change: p.Arg2509Trp; replaces arginine 2509 with tryptophan.
Molecular consequence: missense variant.
Genome position (GRCh38, 1-based): chr1:215,900,144, G>A on the plus strand (C>T on the coding strand, the complement: USH2A is on the minus strand). VCF-style: chr1-215900144-G-A. GRCh37 (hg19) VCF-style: chr1-216073486-G-A.
Other names: c.7525C>T (NM_206933.2); short protein forms R2509W.
Identifiers: ClinVar variation 1399214 (VCV001399214.13), dbSNP rs1394948601, ClinGen allele CA1394814.

ClinVar aggregate classification (germline): Pathogenic/Likely pathogenic. Review status: criteria provided, multiple submitters, no conflicts (2 of 4 stars). 6 submissions from 6 submitters: Pathogenic (1); Likely pathogenic (4). 1 of the submissions does not count toward it. Last evaluated 2025-03-17.

Conditions:
USH2A-related disorder. Also called: USH2A-related disorders; USH2A-related condition. Identifiers: MedGen CN239332.
Retinal dystrophy. Also called: Inherited retinal dystrophy. Identifiers: Orphanet 71862, MedGen C0854723, MeSH D058499, MONDO:0019118, HP:0000556.
Usher syndrome type 2A. Also called: RETINAL DISEASE IN USHER SYNDROME TYPE IIA, MODIFIER OF; USHER SYNDROME, TYPE IIA. Identifiers: Orphanet 231178, Orphanet 886, MedGen C1848634, MONDO:0010169, OMIM 276901.
Retinitis pigmentosa 39 (RP39). Identifiers: Orphanet 791, MedGen C3151138, MONDO:0013436, OMIM 613809.

Allele frequency attached by ClinVar (database versions not stated): TOPMed below 0.00001; ExAC 0.00001; gnomAD exomes 0.00001 and 0.00002; gnomAD 0.00002.
gnomAD v4.1: 32 of 1,613,596 alleles (0.002%); highest among the groups gnomAD compares: Non-Finnish European, 0.0024%; no homozygotes.

Submissions (6):

Labcorp Genetics (formerly Invitae), Labcorp
Classification: Likely pathogenic. Last evaluated: 2025-03-17. Review status: criteria provided, single submitter. Criteria: Invitae Variant Classification Sherloc (09022015). Collection method: clinical testing. Allele origin: germline.
Comment: This sequence change replaces arginine, which is basic and polar, with tryptophan, which is neutral and slightly polar, at codon 2509 of the USH2A protein (p.Arg2509Trp). This variant is present in population databases (no rsID available, gnomAD 0.004%). This missense change has been observed in individual(s) with USH2A-related conditions (PMID: 28157192, 31054281, 32188678, 36011334). ClinVar contains an entry for this variant (Variation ID: 1399214). Invitae Evidence Modeling of protein sequence and biophysical properties (such as structural, functional, and spatial information, amino acid conservation, physicochemical variation, residue mobility, and thermodynamic stability) has been performed for this missense variant. However, the output from this modeling did not meet the statistical confidence thresholds required to predict the impact of this variant on USH2A protein function. This variant disrupts the p.Arg2509 amino acid residue in USH2A. Other variant(s) that disrupt this residue have been observed in individuals with USH2A-related conditions (PMID: 32675063), which suggests that this may be a clinically significant amino acid residue. In summary, the currently available evidence indicates that the variant is pathogenic, but additional data are needed to prove that conclusively. Therefore, this variant has been classified as Likely Pathogenic.

Myriad Genetics, Inc.
Classification: Likely pathogenic for USH2A-related disorder. Last evaluated: 2025-01-30. Review status: criteria provided, single submitter. Criteria: Myriad Autosomal Dominant, Autosomal Recessive and X-Linked Classification Criteria (2023). Collection method: clinical testing. Allele origin: unknown.
Comment: NM_206933.2(USH2A):c.7525C>T(R2509W) is a missense variant classified as likely pathogenic in the context of USH2A-related disorders. R2509W has been observed in cases with relevant disease (PMID: 28157192, 31213501, 36011334, 36110214). Relevant functional assessments of this variant are not available in the literature. R2509W has been observed in referenced population frequency databases. In summary, NM_206933.2(USH2A):c.7525C>T(R2509W) is a missense variant that has been observed more frequently in cases with the relevant disease than in healthy populations. Please note: this variant was assessed in the context of healthy population screening.

Natera, Inc.
Classification: Likely pathogenic for Usher syndrome type 2A. Last evaluated: 2025-01-09. Review status: criteria provided, single submitter. Criteria: Natera Variant Classification Schema (03/2026). Collection method: clinical testing. Allele origin: germline.
Comment: The c.7525C>T variant in USH2A is a missense variant predicted to cause substitution of arginine to tryptophan at amino acid 2509. This variant is rare in the general population with a frequency below the threshold expected for the associated phenotype(s). This variant has been observed in one or more individuals affected with the associated recessive disease, as either homozygous or compound heterozygous with a second variant (PMID: 28157192, 32188678, 36011334). Computational prediction algorithms indicate this variant is likely to affect gene or protein function. Given the available evidence, this variant is classified as Likely Pathogenic.

Fulgent Genetics
Classification: Likely pathogenic for Usher syndrome type 2A; Retinitis pigmentosa 39. Last evaluated: 2024-03-26. Review status: criteria provided, single submitter. Criteria: ACMG Guidelines, 2015. Collection method: clinical testing. Allele origin: germline.

Baylor Genetics
Classification: Pathogenic for Retinitis pigmentosa 39. Last evaluated: 2024-03-18. Review status: criteria provided, single submitter. Criteria: ACMG Guidelines, 2015. Collection method: clinical testing. Allele origin: unknown.

Dept Of Ophthalmology, Nagoya University
Classification: Uncertain significance for Retinal dystrophy. Last evaluated: 2023-10-01. Review status: flagged submission. Criteria: Submitter's publication. Collection method: research. Allele origin: germline. Affected: yes. Not counted in ClinVar's aggregate classification.
ClinVar note: Reason: Outlier claim with insufficient supporting evidence

Literature cited by the submitters: PubMed 28157192 (cited by 3 submitters); PubMed 31054281 (cited by Labcorp Genetics (formerly Invitae), Labcorp); PubMed 32188678 (cited by Labcorp Genetics (formerly Invitae), Labcorp and Natera, Inc.); PubMed 36011334 (cited by 3 submitters); PubMed 32675063 (cited by Labcorp Genetics (formerly Invitae), Labcorp); PubMed 31213501 (cited by Myriad Genetics, Inc.); PubMed 36110214 (cited by Myriad Genetics, Inc.).